The following is an entry in ClinVar:

NM_006514.4(SCN10A):c.5694del (p.Ala1899fs)

Gene: SCN10A (sodium voltage-gated channel alpha subunit 10; minus strand). Cytogenetic location: 3p22.2.
Variant type: Deletion.
Coding change: c.5694del on transcript NM_006514.4 (MANE Select); coding-DNA position 5694, one base deleted (A; older notation c.5694delA).
Protein change: p.Ala1899fs; shifts the reading frame from alanine 1899.
Molecular consequence: frameshift variant.
Genome position (GRCh38, 1-based): chr3:38,697,526, T deleted on the plus strand (A on the coding strand, the reverse complement: SCN10A is on the minus strand). VCF-style (leftmost placement, unchanged base first): chr3-38697525-CT-C. GRCh37 (hg19) VCF-style: chr3-38739016-CT-C.
Other names: p.Ala1899Glnfs*36; c.5694delA (NM_006514.3, NM_006514.4); c.5691del, p.Ala1898fs (NM_001293306.2); c.5400del, p.Ala1801fs (NM_001293307.2); short protein forms A1899fs, A1801fs, A1898fs.
Identifiers: ClinVar variation 567996 (VCV000567996.29), dbSNP rs747321219, ClinGen allele CA2319620.
Genomic context (GRCh38, chr3:38,697,525, plus strand): 5'-GTGGGAATGATGTGGCAGAAGCAGTTTCAGATTTGTCTGGGAGTACACAATTTTCATTTG[CT>C]GTGAATGCAACAAAACCTTCATCTGGGAGTGATGCAGCCTCCTCCTCAGCTCTGGGCACA-3'

ClinVar aggregate classification (germline): Conflicting classifications of pathogenicity. Review status: criteria provided, conflicting classifications (1 of 4 stars). 8 submissions from 8 submitters: Uncertain significance (5); Likely benign (1). 2 of the submissions do not count toward it. Last evaluated 2026-06-18.

Conditions:
Cardiovascular phenotype. Identifiers: MedGen CN230736.
Episodic pain syndrome, familial, 2 (FEPS2). Identifiers: Orphanet 306577, MedGen C3809893, MONDO:0014246, OMIM 615551.
Brugada syndrome. Also called: Sudden Unexplained Death Syndrome; Sudden Unexplained Nocturnal Death Syndrome (SUNDS); Sudden unexplained nocturnal death syndrome; Sudden unexpected nocturnal death syndrome. Identifiers: Orphanet 130, MedGen C1142166, MONDO:0015263.

Allele frequency attached by ClinVar (database versions not stated): gnomAD 0.00002 and 0.00003; TOPMed 0.00005; ESP Exome Variant Server 0.00008; gnomAD exomes 0.00008 and 0.00015; ExAC 0.00010.

Submissions (8):

Women's Health and Genetics/Laboratory Corporation of America, LabCorp
Classification: Uncertain significance. Last evaluated: 2026-06-18. Review status: criteria provided, single submitter. Criteria: LabCorp Variant Classification Summary - May 2015. Collection method: clinical testing. Allele origin: germline.
Comment: Variant summary: SCN10A c.5694delA (p.Ala1899GlnfsX36) results in a premature termination codon in the last exon and is predicted to cause a truncation of the encoded protein, however nonsense mediated decay is not expected to occur and current evidence is not sufficient to establish loss of function as a mechanism for disease. The variant allele was found at a frequency of 7.6e-05 in 251354 control chromosomes. This frequency is not significantly higher than estimated for disease-causing variants in SCN10A, allowing no conclusion about variant significance. c.5694delA has been observed in individuals affected with Brugada syndrome, epilepsy, or refractory epilepsy and autism spectrum disorder (Le Scouarnec_2015, Fernndez-Marmiesse_2019, Al Anazi_2022). These reports do not provide unequivocal conclusions about association of the variant with disease. The following publications have been ascertained in the context of this evaluation (PMID: 36539902, 31780880, 25650408). To our knowledge, no experimental evidence demonstrating an impact on protein function has been reported. ClinVar contains an entry for this variant (Variation ID: 567996). Based on the evidence outlined above, the variant was classified as uncertain significance.

Labcorp Genetics (formerly Invitae), Labcorp
Classification: Uncertain significance for Brugada syndrome. Last evaluated: 2025-11-09. Review status: criteria provided, single submitter. Criteria: Invitae Variant Classification Sherloc (09022015). Collection method: clinical testing. Allele origin: germline.
Comment: This sequence change creates a premature translational stop signal (p.Ala1899Glnfs*36) in the SCN10A gene. While this is not anticipated to result in nonsense mediated decay, it is expected to disrupt the last 58 amino acid(s) of the SCN10A protein. This variant is present in population databases (rs747321219, gnomAD 0.01%). This premature translational stop signal has been observed in individual(s) with clinical features of SCN10A-related conditions (PMID: 25650408, 31780880, 36539902). ClinVar contains an entry for this variant (Variation ID: 567996). Experimental studies and prediction algorithms are not available or were not evaluated, and the functional significance of this variant is currently unknown. In summary, the available evidence is currently insufficient to determine the role of this variant in disease. Therefore, it has been classified as a Variant of Uncertain Significance.

Mayo Clinic Laboratories, Mayo Clinic
Classification: Uncertain significance. Last evaluated: 2025-09-09. Review status: criteria provided, single submitter. Criteria: ACMG Guidelines, 2015. Collection method: clinical testing. Allele origin: germline. Observed: 2 variant alleles.
Comment: BP5

CeGaT Center for Human Genetics Tuebingen
Classification: Uncertain significance. Last evaluated: 2025-07-01. Review status: criteria provided, single submitter. Criteria: CeGaT Center For Human Genetics Tuebingen Variant Classification Criteria Version 2. Collection method: clinical testing. Allele origin: germline. Affected: yes. Observed: 1 variant allele.
Comment: SCN10A: PM2

Ambry Genetics
Classification: Likely benign for Cardiovascular phenotype. Last evaluated: 2023-08-28. Review status: criteria provided, single submitter. Criteria: Ambry Variant Classification Scheme 2023. Collection method: clinical testing. Allele origin: germline.

Fulgent Genetics
Classification: Uncertain significance for Episodic pain syndrome, familial, 2. Last evaluated: 2021-11-09. Review status: criteria provided, single submitter. Criteria: ACMG Guidelines, 2015. Collection method: clinical testing. Allele origin: unknown.

Clinical Genetics, Academic Medical Center
Classification: Uncertain significance. Review status: no assertion criteria provided. Collection method: clinical testing. Allele origin: germline. Affected: yes. Study: VKGL Data-share Consensus. Not counted in ClinVar's aggregate classification.

Joint Genome Diagnostic Labs from Nijmegen and Maastricht, Radboudumc and MUMC+
Classification: Uncertain significance. Review status: no assertion criteria provided. Collection method: clinical testing. Allele origin: germline. Affected: yes. Study: VKGL Data-share Consensus. Not counted in ClinVar's aggregate classification.

Literature cited by the submitters: PubMed 25650408 (cited by 3 submitters); PubMed 31780880 (cited by 4 submitters); PubMed 36539902 (cited by 3 submitters).